The following is an entry in ClinVar:

NM_001370259.2(MEN1):c.152A>G (p.Asn51Ser)

Gene: MEN1 (menin 1; minus strand). Cytogenetic location: 11q13.1.
Variant type: single nucleotide variant.
Coding change: c.152A>G on transcript NM_001370259.2 (MANE Select); coding-DNA position 152, A replaced by G.
Protein change: p.Asn51Ser; replaces asparagine 51 with serine.
Molecular consequence: missense variant.
Genome position (GRCh38, 1-based): chr11:64,809,958, T>C on the plus strand (A>G on the coding strand, the complement: MEN1 is on the minus strand). VCF-style: chr11-64809958-T-C. GRCh37 (hg19) VCF-style: chr11-64577430-T-C.
Other names: c.152A>G, p.Asn51Ser (NM_000244.4, NM_001370251.2, NM_001370260.2 and 9 more transcripts); short protein forms N51S.
Identifiers: ClinVar variation 964992 (VCV000964992.11), dbSNP rs1942010838, ClinGen allele CA381187782.

ClinVar aggregate classification (germline): Uncertain significance. Review status: criteria provided, multiple submitters, no conflicts (2 of 4 stars). 3 submissions from 3 submitters: Uncertain significance (3). Last evaluated 2025-08-19.

Conditions:
Multiple endocrine neoplasia, type 1 (MEN1). Also called: MEA I; MEN I; WERMER SYNDROME; Endocrine adenomatosis multiple; MEN 1. Identifiers: Orphanet 652, MedGen C0025267, MeSH D018761, MONDO:0007540, OMIM 131100.

Submissions (3):

Quest Diagnostics Nichols Institute San Juan Capistrano
Classification: Uncertain significance. Last evaluated: 2025-08-19. Review status: criteria provided, single submitter. Criteria: Quest Diagnostics criteria. Collection method: clinical testing. Allele origin: unknown.

GeneDx
Classification: Uncertain significance. Last evaluated: 2025-02-24. Review status: criteria provided, single submitter. Criteria: GeneDx Variant Classification Process June 2021. Collection method: clinical testing. Allele origin: germline. Affected: yes.
Comment: Not observed at significant frequency in large population cohorts (gnomAD); In silico analysis supports that this missense variant has a deleterious effect on protein structure/function; Has not been previously published as pathogenic or benign to our knowledge

Labcorp Genetics (formerly Invitae), Labcorp
Classification: Uncertain significance for Multiple endocrine neoplasia, type 1. Last evaluated: 2021-08-04. Review status: criteria provided, single submitter. Criteria: Invitae Variant Classification Sherloc (09022015). Collection method: clinical testing. Allele origin: germline.
Comment: In summary, the available evidence is currently insufficient to determine the role of this variant in disease. Therefore, it has been classified as a Variant of Uncertain Significance. Algorithms developed to predict the effect of sequence changes on RNA splicing suggest that this variant may create or strengthen a splice site, but this prediction has not been confirmed by published transcriptional studies. Algorithms developed to predict the effect of missense changes on protein structure and function are either unavailable or do not agree on the potential impact of this missense change (SIFT: "Tolerated"; PolyPhen-2: "Possibly Damaging"; Align-GVGD: "Class C0"). This variant has not been reported in the literature in individuals with MEN1-related conditions. This variant is not present in population databases (ExAC no frequency). This sequence change replaces asparagine with serine at codon 51 of the MEN1 protein (p.Asn51Ser). The asparagine residue is highly conserved and there is a small physicochemical difference between asparagine and serine.